The following is an entry in ClinVar:

NM_000127.3(EXT1):c.460T>C (p.Phe154Leu)

Gene: EXT1 (exostosin glycosyltransferase 1; minus strand). Cytogenetic location: 8q24.11.
Variant type: single nucleotide variant.
Coding change: c.460T>C on transcript NM_000127.3 (MANE Select); coding-DNA position 460, T replaced by C.
Protein change: p.Phe154Leu; replaces phenylalanine 154 with leucine.
Molecular consequence: missense variant.
Genome position (GRCh38, 1-based): chr8:118,110,587, A>G on the plus strand (T>C on the coding strand, the complement: EXT1 is on the minus strand). VCF-style: chr8-118110587-A-G. GRCh37 (hg19) VCF-style: chr8-119122826-A-G.
Other names: short protein forms F154L.
Identifiers: ClinVar variation 3846882 (VCV003846882.2).

ClinVar aggregate classification (germline): Uncertain significance. Review status: criteria provided, multiple submitters, no conflicts (2 of 4 stars). 2 submissions from 2 submitters: Uncertain significance (2). Last evaluated 2026-01-27.

Conditions:
Inborn genetic diseases. Identifiers: MedGen C0950123, MeSH D030342.
Multiple congenital exostosis (EXT). Also called: MULTIPLE CARTILAGINOUS EXOSTOSES; Hereditary multiple exostoses; Hereditary multiple exostosis; Multiple exostoses; Multiple osteochondromas; Hereditary multiple osteochondromas. Identifiers: Orphanet 321, MedGen C0015306, MONDO:0005508, HP:0002762.

gnomAD v4.1: 3 of 1,614,074 alleles (0.00019%); highest among the groups gnomAD compares: East Asian, 0.0067%; no homozygotes.

Submissions (2):

Labcorp Genetics (formerly Invitae), Labcorp
Classification: Uncertain significance for Multiple congenital exostosis. Last evaluated: 2026-01-27. Review status: criteria provided, single submitter. Criteria: Invitae Variant Classification Sherloc (09022015). Collection method: clinical testing. Allele origin: germline.
Comment: This sequence change replaces phenylalanine, which is neutral and non-polar, with leucine, which is neutral and non-polar, at codon 154 of the EXT1 protein (p.Phe154Leu). This variant is present in population databases (rs757114989, gnomAD 0.03%). This variant has not been reported in the literature in individuals affected with EXT1-related conditions. ClinVar contains an entry for this variant (Variation ID: 3846882). Invitae Evidence Modeling of protein sequence and biophysical properties (such as structural, functional, and spatial information, amino acid conservation, physicochemical variation, residue mobility, and thermodynamic stability) indicates that this missense variant is not expected to disrupt EXT1 protein function with a negative predictive value of 80%. In summary, the available evidence is currently insufficient to determine the role of this variant in disease. Therefore, it has been classified as a Variant of Uncertain Significance.

Ambry Genetics
Classification: Uncertain significance for Inborn genetic diseases. Last evaluated: 2025-03-14. Review status: criteria provided, single submitter. Criteria: Ambry Variant Classification Scheme 2023. Collection method: clinical testing. Allele origin: germline.